The following is an entry in ClinVar:

ClinVar aggregate classification (germline): Uncertain significance (1 of 4 stars; one submission).

Submission:

GeneDx
Classification: Uncertain significance. Last evaluated: 2024-04-24. Review status: criteria provided, single submitter. Criteria: GeneDx Variant Classification Process June 2021. Collection method: clinical testing. Allele origin: germline. Affected: yes.
Comment: Not observed at significant frequency in large population cohorts (gnomAD); In silico analysis indicates that this missense variant does not alter protein structure/function; Has not been previously published as pathogenic or benign to our knowledge

NM_022455.5(NSD1):c.2839A>T (p.Asn947Tyr)

Gene: NSD1 (nuclear receptor binding SET domain protein 1; plus strand). Cytogenetic location: 5q35.3.
Variant type: single nucleotide variant.
Coding change: c.2839A>T on transcript NM_022455.5 (MANE Select); coding-DNA position 2839, A replaced by T.
Protein change: p.Asn947Tyr; replaces asparagine 947 with tyrosine.
Molecular consequence: missense variant.
Genome position (GRCh38, 1-based): chr5:177,211,238, A>T. VCF-style: chr5-177211238-A-T. GRCh37 (hg19) VCF-style: chr5-176638239-A-T.
Other names: c.1966A>T, p.Asn656Tyr (NM_001365684.2, NM_001409306.1, NM_001409307.1 and 3 more transcripts); c.2839A>T, p.Asn947Tyr (NM_001409301.1, NM_001409302.1, NM_001409303.1); c.2419A>T, p.Asn807Tyr (NM_001409304.1); c.2086A>T, p.Asn696Tyr (NM_001409305.1); short protein forms N656Y, N696Y, N807Y, N947Y.
Identifiers: ClinVar variation 3373070 (VCV003373070.1).